The following is an entry in ClinVar:

ClinVar aggregate classification (germline): Likely benign. Review status: criteria provided, multiple submitters, no conflicts (2 of 4 stars). 2 submissions from 2 submitters: Likely benign (2). Last evaluated 2026-01-28.

Conditions:
LAMA2-related muscular dystrophy (LAMA2-RD). Also called: Laminin alpha 2-related dystrophy. Identifiers: MedGen C5679788, MONDO:0100228.

Allele frequency attached by ClinVar (database versions not stated): gnomAD 0.00002; TOPMed 0.00003.
gnomAD v4.1: 120 of 1,614,006 alleles (0.0074%); highest among the groups gnomAD compares: Non-Finnish European, 0.0098%; no homozygotes.

Submissions (2):

Labcorp Genetics (formerly Invitae), Labcorp
Classification: Likely benign for LAMA2-related muscular dystrophy. Last evaluated: 2026-01-28. Review status: criteria provided, single submitter. Criteria: Invitae Variant Classification Sherloc (09022015). Collection method: clinical testing. Allele origin: germline.

CeGaT Center for Human Genetics Tuebingen
Classification: Likely benign. Last evaluated: 2022-10-01. Review status: criteria provided, single submitter. Criteria: CeGaT Center For Human Genetics Tuebingen Variant Classification Criteria Version 2. Collection method: clinical testing. Allele origin: germline. Affected: yes. Observed: 1 variant allele.
Comment: LAMA2: BP4, BP7

NM_000426.4(LAMA2):c.243G>T (p.Pro81=)

Gene: LAMA2 (laminin subunit alpha 2; plus strand). Cytogenetic location: 6q22.33.
Variant type: single nucleotide variant.
Coding change: c.243G>T on transcript NM_000426.4 (MANE Select); coding-DNA position 243, G replaced by T.
Protein change: p.Pro81=; no amino-acid change (proline 81 retained).
Molecular consequence: synonymous variant.
Genome position (GRCh38, 1-based): chr6:129,050,048, G>T. VCF-style: chr6-129050048-G-T. GRCh37 (hg19) VCF-style: chr6-129371193-G-T.
Other names: c.243G>T, p.Pro81= (NM_001079823.2).
Identifiers: ClinVar variation 708571 (VCV000708571.35), dbSNP rs766642494, ClinGen allele CA3992254.
Genomic context (GRCh38, chr6:129,050,048, plus strand): 5'-AGGACCTGAAATGTACTGCAAATTGGTAGAACATGTCCCTGGGCAGCCTGTGAGGAACCC[G>T]CAGTGTCGAATCTGCAATCAAAACAGCAGCAATCCAAACCGTATGTATTTTAGTGTGTAG-3'
Protein context (NP_000417.3, residues 71-91): EHVPGQPVRN[Pro81=]QCRICNQNSS